The following is an entry in ClinVar:

NM_144701.3(IL23R):c.518A>G (p.Tyr173Cys)

Gene: IL23R (interleukin 23 receptor; plus strand). Cytogenetic location: 1p31.3.
Variant type: single nucleotide variant.
Coding change: c.518A>G on transcript NM_144701.3 (MANE Select); coding-DNA position 518, A replaced by G.
Protein change: p.Tyr173Cys; replaces tyrosine 173 with cysteine.
Molecular consequence: missense variant.
Genome position (GRCh38, 1-based): chr1:67,200,763, A>G. VCF-style: chr1-67200763-A-G. GRCh37 (hg19) VCF-style: chr1-67666446-A-G.
Other names: short protein forms Y173C.
Identifiers: ClinVar variation 4767645 (VCV004767645.1).

ClinVar aggregate classification (germline): Uncertain significance (1 of 4 stars; one submission).

Submission:

Labcorp Genetics (formerly Invitae), Labcorp
Classification: Uncertain significance. Last evaluated: 2025-12-08. Review status: criteria provided, single submitter. Criteria: Invitae Variant Classification Sherloc (09022015). Collection method: clinical testing. Allele origin: germline.
Comment: This sequence change replaces tyrosine, which is neutral and polar, with cysteine, which is neutral and slightly polar, at codon 173 of the IL23R protein (p.Tyr173Cys). This variant is not present in population databases (gnomAD no frequency). This variant has not been reported in the literature in individuals affected with IL23R-related conditions. An algorithm developed to predict the effect of missense changes on protein structure and function (PolyPhen-2) suggests that this variant is likely to be disruptive. In summary, the available evidence is currently insufficient to determine the role of this variant in disease. Therefore, it has been classified as a Variant of Uncertain Significance.